The following is an entry in ClinVar:

NM_000400.4(ERCC2):c.381G>A (p.Gly127=)

Gene: ERCC2 (ERCC excision repair 2, TFIIH core complex helicase subunit; minus strand). Cytogenetic location: 19q13.32.
Variant type: single nucleotide variant.
Coding change: c.381G>A on transcript NM_000400.4 (MANE Select); coding-DNA position 381, G replaced by A.
Protein change: p.Gly127=; no amino-acid change (glycine 127 retained).
Molecular consequence: synonymous variant.
Genome position (GRCh38, 1-based): chr19:45,365,138, C>T on the plus strand (G>A on the coding strand, the complement: ERCC2 is on the minus strand). VCF-style: chr19-45365138-C-T. GRCh37 (hg19) VCF-style: chr19-45868396-C-T.
Other names: c.309G>A, p.Gly103= (NM_001130867.2).
Identifiers: ClinVar variation 718681 (VCV000718681.26), dbSNP rs775235491, ClinGen allele CA9513804.

ClinVar aggregate classification (germline): Likely benign. Review status: criteria provided, multiple submitters, no conflicts (2 of 4 stars). 4 submissions from 4 submitters: Likely benign (4). Last evaluated 2026-02-01.

Conditions:
Inborn genetic diseases. Identifiers: MedGen C0950123, MeSH D030342.

Allele frequency attached by ClinVar (database versions not stated): gnomAD 0.00013; TOPMed 0.00010.
gnomAD v4.1: 166 of 1,614,068 alleles (0.01%); highest among the groups gnomAD compares: Non-Finnish European, 0.013%; no homozygotes.

Submissions (4):

Labcorp Genetics (formerly Invitae), Labcorp
Classification: Likely benign. Last evaluated: 2026-02-01. Review status: criteria provided, single submitter. Criteria: Invitae Variant Classification Sherloc (09022015). Collection method: clinical testing. Allele origin: germline.

Blueprint Genetics
Classification: Likely benign. Last evaluated: 2024-10-09. Review status: criteria provided, single submitter. Criteria: ACMG Guidelines, 2015. Collection method: clinical testing. Allele origin: germline.

CeGaT Center for Human Genetics Tuebingen
Classification: Likely benign. Last evaluated: 2024-10-01. Review status: criteria provided, single submitter. Criteria: CeGaT Center For Human Genetics Tuebingen Variant Classification Criteria Version 2. Collection method: clinical testing. Allele origin: germline. Affected: yes. Observed: 1 variant allele.
Comment: ERCC2: BP4, BP7

Ambry Genetics
Classification: Likely benign for Inborn genetic diseases. Last evaluated: 2022-02-12. Review status: criteria provided, single submitter. Criteria: Ambry Variant Classification Scheme 2023. Collection method: clinical testing. Allele origin: germline.